The following is an entry in ClinVar:

NM_018475.5(TMEM165):c.-147T>C

Gene: TMEM165 (transmembrane protein 165; plus strand). Cytogenetic location: 4q12.
Variant type: single nucleotide variant.
Coding change: c.-147T>C on transcript NM_018475.5 (MANE Select); 147 bases upstream of the start codon, T replaced by C.
Molecular consequence: 5 prime UTR variant. On other transcripts: non-coding transcript variant (1).
Genome position (GRCh38, 1-based): chr4:55,396,043, T>C. VCF-style: chr4-55396043-T-C. GRCh37 (hg19) VCF-style: chr4-56262210-T-C.
Identifiers: ClinVar variation 907295 (VCV000907295.5), dbSNP rs116687212, ClinGen allele CA97484458.

ClinVar aggregate classification (germline): Benign. Review status: criteria provided, multiple submitters, no conflicts (2 of 4 stars). 2 submissions from 2 submitters: Benign (2). Last evaluated 2019-09-06.

Conditions:
TMEM165-congenital disorder of glycosylation. Also called: CDG IIk; TMEM165-CDG; Congenital disorder of glycosylation type 2k. Identifiers: Orphanet 314667, MedGen C3553571, MONDO:0013870, OMIM 614727.

Allele frequency attached by ClinVar (database versions not stated): gnomAD exomes 0.00241; gnomAD 0.02761 and 0.02961; 1000 Genomes Project 0.02975; 1000 Genomes Project 30x 0.02998; TOPMed 0.03088.
gnomAD v4.1: 5,218 of 555,812 alleles (0.94%); highest among the groups gnomAD compares: African/African-American, 9.5%; 250 homozygotes.

Submissions (2):

GeneDx
Classification: Benign. Last evaluated: 2019-09-06. Review status: criteria provided, single submitter. Criteria: GeneDx Variant Classification Process June 2021. Collection method: clinical testing. Allele origin: germline. Affected: yes.

Illumina Laboratory Services, Illumina
Classification: Benign for TMEM165-congenital disorder of glycosylation. Last evaluated: 2018-01-13. Review status: criteria provided, single submitter. Criteria: ICSL Variant Classification Criteria 13 December 2019. Collection method: clinical testing. Allele origin: germline.
Comment: This variant was observed in the ICSL laboratory as part of a predisposition screen in an ostensibly healthy population. It had not been previously curated by ICSL or reported in the Human Gene Mutation Database (HGMD: prior to June 1st, 2018), and was therefore a candidate for classification through an automated scoring system. Utilizing variant allele frequency, disease prevalence and penetrance estimates, and inheritance mode, an automated score was calculated to assess if this variant is too frequent to cause the disease. Based on the score and internal cut-off values, a variant classified as benign is not then subjected to further curation. The score for this variant resulted in a classification of benign for this disease.